The following is an entry in ClinVar:

ClinVar aggregate classification (germline): Uncertain significance (1 of 4 stars; one submission).

Conditions:
MELAS syndrome (MELAS). Also called: Juvenile myopathy, encephalopathy, lactic acidosis, stroke. Identifiers: Orphanet 550, MedGen C0162671, MONDO:0010789, OMIM 540000.

Submission:

Wong Mito Lab, Molecular and Human Genetics, Baylor College of Medicine
Classification: Uncertain significance for MELAS syndrome. Last evaluated: 2019-07-12. Review status: criteria provided, single submitter. Criteria: Modified ACMG Guidelines (Unpublished). Collection method: clinical testing. Allele origin: germline.
Comment: The NC_012920.1:m.5708C>A variant in MT-TN gene is interpreted to be a Unknown Significance variant based on the modified ACMG guidelines (unpublished). This variant meets the following evidence codes reported in the guidelines: BP4, BP5, PP7

Literature cited by the submitters: PubMed 31965079.

NC_012920.1(MT-TN):m.5708C>A

Gene: MT-TN (mitochondrially encoded tRNA asparagine; minus strand).
Variant type: single nucleotide variant.
Genome position: chrM-5708-C-A.
Identifiers: ClinVar variation 689978 (VCV000689978.1), dbSNP rs1603220094, ClinGen allele CA913180305.